The following is an entry in ClinVar:

NM_000214.3(JAG1):c.760C>A (p.Gln254Lys)

Gene: JAG1 (jagged canonical Notch ligand 1; minus strand). Cytogenetic location: 20p12.2.
Variant type: single nucleotide variant.
Coding change: c.760C>A on transcript NM_000214.3 (MANE Select); coding-DNA position 760, C replaced by A.
Protein change: p.Gln254Lys; replaces glutamine 254 with lysine.
Molecular consequence: missense variant.
Genome position (GRCh38, 1-based): chr20:10,652,594, G>T on the plus strand (C>A on the coding strand, the complement: JAG1 is on the minus strand). VCF-style: chr20-10652594-G-T. GRCh37 (hg19) VCF-style: chr20-10633242-G-T.
Other names: short protein forms Q254K.
Identifiers: ClinVar variation 3573366 (VCV003573366.2).

Conditions:
Arteriohepatic dysplasia. Also called: Alagille Syndrome. Identifiers: Orphanet 52, MedGen C0085280, MeSH D016738, MONDO:0007318.

Submission:

Gilbert/Spinner Lab, Children's Hospital of Philadelphia
No classification provided (evidence only). Condition: Alagille syndrome. Review status: no classification provided. Collection method: research. Allele origin: not applicable. Functional consequence: functionally_abnormal.
ClinVar note: "not provided" was previously submitted as the classification for the variant. However, the classification appeared to be based only on an observation of functional data so it was converted to no classification on 2025-07-30.